The following is an entry in ClinVar:

ClinVar aggregate classification (germline): Likely benign. Review status: criteria provided, multiple submitters, no conflicts (2 of 4 stars). 2 submissions from 2 submitters: Likely benign (2). Last evaluated 2025-07-19.

Conditions:
Bardet-Biedl syndrome (BBS). Identifiers: Orphanet 110, MedGen C0752166, MONDO:0015229.
BBS1-related disorder. Also called: BBS1-related condition.

Allele frequency attached by ClinVar (database versions not stated): gnomAD exomes below 0.00001; TOPMed below 0.00001.
gnomAD v4.1: 1 of 1,614,172 alleles (0.000062%); highest among the groups gnomAD compares: Non-Finnish European, 0.000085%; no homozygotes.

Submissions (2):

PreventionGenetics, part of Exact Sciences
Classification: Likely benign for BBS1-related condition. Last evaluated: 2025-07-19. Review status: criteria provided, single submitter. Criteria: ACMG Guidelines, 2015. Collection method: clinical testing. Allele origin: germline.
Comment: This variant is classified as likely benign based on ACMG/AMP sequence variant interpretation guidelines (Richards et al. 2015 PMID: 25741868, with internal and published modifications).

Labcorp Genetics (formerly Invitae), Labcorp
Classification: Likely benign for Bardet-Biedl syndrome. Last evaluated: 2024-02-08. Review status: criteria provided, single submitter. Criteria: Invitae Variant Classification Sherloc (09022015). Collection method: clinical testing. Allele origin: germline.

NM_024649.5(BBS1):c.204G>A (p.Leu68=)

Gene: BBS1 (Bardet-Biedl syndrome 1; plus strand). Cytogenetic location: 11q13.2.
Variant type: single nucleotide variant.
Coding change: c.204G>A on transcript NM_024649.5 (MANE Select); coding-DNA position 204, G replaced by A.
Protein change: p.Leu68=; no amino-acid change (leucine 68 retained).
Molecular consequence: synonymous variant.
Genome position (GRCh38, 1-based): chr11:66,514,450, G>A. VCF-style: chr11-66514450-G-A. GRCh37 (hg19) VCF-style: chr11-66281921-G-A.
Other names: c.204G>A (NM_024649.4).
Identifiers: ClinVar variation 1113741 (VCV001113741.11), dbSNP rs11553180, ClinGen allele CA381455854.